The following is an entry in ClinVar:

NM_024422.6(DSC2):c.1862G>T (p.Arg621Ile)

Gene: DSC2 (desmocollin 2; minus strand). Cytogenetic location: 18q12.1.
Variant type: single nucleotide variant.
Coding change: c.1862G>T on transcript NM_024422.6 (MANE Select); coding-DNA position 1862, G replaced by T.
Protein change: p.Arg621Ile; replaces arginine 621 with isoleucine.
Molecular consequence: missense variant.
Genome position (GRCh38, 1-based): chr18:31,074,709, C>A on the plus strand (G>T on the coding strand, the complement: DSC2 is on the minus strand). VCF-style: chr18-31074709-C-A. GRCh37 (hg19) VCF-style: chr18-28654675-C-A.
Other names: c.1862G>T, p.Arg621Ile (NM_004949.5); short protein forms R621I.
Identifiers: ClinVar variation 925187 (VCV000925187.15), dbSNP rs1225904818, ClinGen allele CA402113790.
Genomic context (GRCh38, chr18:31,074,709, plus strand): 5'-TGAAAAGGACAAAGCAATTTTCAAAAATATATACCATTAATTGCTTTCAGTCTCCACATT[C>A]TCTGTACTTCTGAAGTAGAACTCTCCAGACTAAAGTCAAAGGGTGGGCCATGGATAGGCT-3'
Protein context (NP_077740.1, residues 611-631): SLESSTSEVQ[Arg621Ile]MWRLKAINDT

ClinVar aggregate classification (germline): Uncertain significance. Review status: criteria provided, multiple submitters, no conflicts (2 of 4 stars). 4 submissions from 4 submitters: Uncertain significance (4). Last evaluated 2025-11-25.

Conditions:
Cardiovascular phenotype. Identifiers: MedGen CN230736.
Cardiomyopathy (CMYO). Also called: Cardiomyopathies. Identifiers: Orphanet 167848, MedGen C0878544, MONDO:0004994, HP:0001638. Inheritance: Various modes of inheritance.
Familial isolated arrhythmogenic right ventricular dysplasia. Identifiers: Orphanet 217656, MedGen C4274968, MONDO:0016342.
Arrhythmogenic right ventricular dysplasia 11. Also called: ARRHYTHMOGENIC RIGHT VENTRICULAR DYSPLASIA, FAMILIAL, 11; Arrhythmogenic Right Ventricular Dysplasia/Cardiomyopathy11; Arrhythmogenic right ventricular dysplasia 11 with mild palmoplantar keratoderma and woolly hair. Identifiers: MedGen C1864850, MONDO:0012506, OMIM 610476.

Allele frequency attached by ClinVar (database versions not stated): gnomAD exomes 0.00001; TOPMed 0.00002; gnomAD 0.00002.
gnomAD v4.1: 7 of 1,613,764 alleles (0.00043%); highest among the groups gnomAD compares: Non-Finnish European, 0.00059%; no homozygotes.

Submissions (4):

Ambry Genetics
Classification: Uncertain significance for Cardiovascular phenotype. Last evaluated: 2025-11-25. Review status: criteria provided, single submitter. Criteria: Ambry Variant Classification Scheme 2023. Collection method: clinical testing. Allele origin: germline.
Comment: The p.R621I variant (also known as c.1862G>T), located in coding exon 12 of the DSC2 gene, results from a G to T substitution at nucleotide position 1862. The arginine at codon 621 is replaced by isoleucine, an amino acid with similar properties. This amino acid position is conserved. In addition, this alteration is predicted to be tolerated by in silico analysis. Since supporting evidence is limited at this time, the clinical significance of this alteration remains unclear.

Labcorp Genetics (formerly Invitae), Labcorp
Classification: Uncertain significance for Arrhythmogenic right ventricular dysplasia 11. Last evaluated: 2025-08-24. Review status: criteria provided, single submitter. Criteria: Invitae Variant Classification Sherloc (09022015). Collection method: clinical testing. Allele origin: germline.
Comment: This sequence change replaces arginine, which is basic and polar, with isoleucine, which is neutral and non-polar, at codon 621 of the DSC2 protein (p.Arg621Ile). This variant is present in population databases (no rsID available, gnomAD 0.007%). This variant has not been reported in the literature in individuals affected with DSC2-related conditions. ClinVar contains an entry for this variant (Variation ID: 925187). Invitae Evidence Modeling of protein sequence and biophysical properties (such as structural, functional, and spatial information, amino acid conservation, physicochemical variation, residue mobility, and thermodynamic stability) indicates that this missense variant is not expected to disrupt DSC2 protein function with a negative predictive value of 80%. In summary, the available evidence is currently insufficient to determine the role of this variant in disease. Therefore, it has been classified as a Variant of Uncertain Significance.

Color Diagnostics, LLC DBA Color Health
Classification: Uncertain significance for Cardiomyopathy. Last evaluated: 2024-03-07. Review status: criteria provided, single submitter. Criteria: ACMG Guidelines, 2015. Collection method: clinical testing. Allele origin: germline.
Comment: This missense variant replaces arginine with isoleucine at codon 621 of the DSC2 protein. Computational prediction suggests that this variant may not impact protein structure and function (internally defined REVEL score threshold <= 0.5, PMID: 27666373). To our knowledge, functional studies have not been reported for this variant. This variant has not been reported in individuals affected with cardiovascular disorders in the literature. This variant has been identified in 1/31374 chromosomes in the general population by the Genome Aggregation Database (gnomAD). The available evidence is insufficient to determine the role of this variant in disease conclusively. Therefore, this variant is classified as a Variant of Uncertain Significance.

All of Us Research Program, National Institutes of Health
Classification: Uncertain significance for Familial isolated arrhythmogenic right ventricular dysplasia. Last evaluated: 2023-10-02. Review status: criteria provided, single submitter. Criteria: ACMG Guidelines, 2015. Collection method: clinical testing. Allele origin: germline. Inheritance: Autosomal dominant inheritance. Observed: 3 variant alleles, 3 heterozygotes.
Comment: This missense variant replaces arginine with isoleucine at codon 621 of the DSC2 protein. Computational prediction suggests that this variant may not impact protein structure and function (internally defined REVEL score threshold <= 0.5, PMID: 27666373). To our knowledge, functional studies have not been reported for this variant. This variant has not been reported in individuals affected with cardiovascular disorders in the literature. This variant has been identified in 1/31374 chromosomes in the general population by the Genome Aggregation Database (gnomAD). The available evidence is insufficient to determine the role of this variant in disease conclusively. Therefore, this variant is classified as a Variant of Uncertain Significance.

This study involves interpretation of variants in research participants for the purpose of population health screening. Participant phenotype was not available at the time of variant classification. Additional details can be found in publication PMID: 35346344, PMCID: PMC8962531